The following is an entry in ClinVar:

NM_033337.3(CAV3):c.*763G>A

Genes: CAV3 (caveolin 3; plus strand), OXTR (oxytocin receptor; minus strand). Cytogenetic location: 3p25.3.
Variant type: single nucleotide variant.
Coding change: c.*763G>A on transcript NM_033337.3 (MANE Select); 763 bases downstream of the stop codon, G replaced by A.
Molecular consequence: 3 prime UTR variant.
Genome position (GRCh38, 1-based): chr3:8,746,630, G>A. VCF-style: chr3-8746630-G-A. GRCh37 (hg19) VCF-style: chr3-8788316-G-A.
Other names: c.*667G>A (NM_001234.5).
Identifiers: ClinVar variation 346858 (VCV000346858.6), dbSNP rs185369734, ClinGen allele CA10619678.
Genomic context (GRCh38, chr3:8,746,630, plus strand): 5'-GGGTACCACTGAGGGAAGGGCCTGGGTTCAAGCCTCCCGGAACCTCCCCTTTGGCTAACC[G>A]AGCCCCTGAAATGCCCAGTACTGCCATTTGACATGAGGGTACCTTCGCCCTCAGGAGATG-3'

ClinVar aggregate classification (germline): Benign (1 of 4 stars; one submission).

Conditions:
Caveolinopathy. Identifiers: Orphanet 207078, MedGen C5679790, MONDO:0016146.

Allele frequency attached by ClinVar (database versions not stated): gnomAD 0.00082 and 0.00083; TOPMed 0.00097; 1000 Genomes Project 0.00140; 1000 Genomes Project 30x 0.00141.

Submission:

Illumina Laboratory Services, Illumina
Classification: Benign for Caveolinopathy. Last evaluated: 2018-01-12. Review status: criteria provided, single submitter. Criteria: ICSL Variant Classification Criteria 13 December 2019. Collection method: clinical testing. Allele origin: germline.
Comment: This variant was observed in the ICSL laboratory as part of a predisposition screen in an ostensibly healthy population. It had not been previously curated by ICSL or reported in the Human Gene Mutation Database (HGMD: prior to June 1st, 2018), and was therefore a candidate for classification through an automated scoring system. Utilizing variant allele frequency, disease prevalence and penetrance estimates, and inheritance mode, an automated score was calculated to assess if this variant is too frequent to cause the disease. Based on the score and internal cut-off values, a variant classified as benign is not then subjected to further curation. The score for this variant resulted in a classification of benign for this disease.